The following is an entry in ClinVar:

NM_003850.3(SUCLA2):c.1108-304T>A

Gene: SUCLA2 (succinate-CoA ligase ADP-forming subunit beta; minus strand). Cytogenetic location: 13q14.2.
Variant type: single nucleotide variant.
Coding change: c.1108-304T>A on transcript NM_003850.3 (MANE Select); 304 bases into the intron before coding-DNA position 1108, T replaced by A.
Molecular consequence: intron variant.
Genome position (GRCh38, 1-based): chr13:47,949,907, A>T on the plus strand (T>A on the coding strand, the complement: SUCLA2 is on the minus strand). VCF-style: chr13-47949907-A-T. GRCh37 (hg19) VCF-style: chr13-48524042-A-T.
Identifiers: ClinVar variation 671130 (VCV000671130.1), dbSNP rs9567958, ClinGen allele CA13788328.

ClinVar aggregate classification (germline): Benign (1 of 4 stars; one submission).

Allele frequency attached by ClinVar (database versions not stated): 1000 Genomes Project 30x 0.57370; 1000 Genomes Project 0.57947; TOPMed 0.61244; gnomAD 0.62331 and 0.62866.
gnomAD v4.1: 95,080 of 152,134 alleles (62%); highest among the groups gnomAD compares: East Asian, 77%; 30,681 homozygotes.

Submission:

GeneDx
Classification: Benign. Last evaluated: 2018-06-14. Review status: criteria provided, single submitter. Criteria: GeneDx Variant Classification (06012015). Collection method: clinical testing. Allele origin: germline. Affected: yes.
Comment: This variant is considered likely benign or benign based on one or more of the following criteria: it is a conservative change, it occurs at a poorly conserved position in the protein, it is predicted to be benign by multiple in silico algorithms, and/or has population frequency not consistent with disease.